The following is an entry in ClinVar:

NM_017617.5(NOTCH1):c.4905C>T (p.Ala1635=)

Gene: NOTCH1 (notch receptor 1; minus strand). Cytogenetic location: 9q34.3.
Variant type: single nucleotide variant.
Coding change: c.4905C>T on transcript NM_017617.5 (MANE Select); coding-DNA position 4905, C replaced by T.
Protein change: p.Ala1635=; no amino-acid change (alanine 1635 retained).
Molecular consequence: synonymous variant.
Genome position (GRCh38, 1-based): chr9:136,504,786, G>A on the plus strand (C>T on the coding strand, the complement: NOTCH1 is on the minus strand). VCF-style: chr9-136504786-G-A. GRCh37 (hg19) VCF-style: chr9-139399238-G-A.
Other names: c.4905C>T, p.Ala1635= (LRG_1122t1).
Identifiers: ClinVar variation 506745 (VCV000506745.14), dbSNP rs751446074, ClinGen allele CA5340496.

ClinVar aggregate classification (germline): Likely benign. Review status: criteria provided, multiple submitters, no conflicts (2 of 4 stars). 6 submissions from 5 submitters: Likely benign (6). Last evaluated 2025-09-03.

Conditions:
Adams-Oliver syndrome 5 (AOS5). Identifiers: Orphanet 974, MedGen C4014970, MONDO:0014459, OMIM 616028.
Familial thoracic aortic aneurysm and aortic dissection (TAAD). Also called: Thoracic aortic aneurysms and dissections. Identifiers: Orphanet 91387, MedGen C4707243, MONDO:0019625.
Aortic valve disease 1 (AOVD1). Identifiers: MedGen C3887892, MONDO:0024523, OMIM 109730.

Allele frequency attached by ClinVar (database versions not stated): gnomAD exomes 0.00001 and 0.00003; ExAC 0.00006; gnomAD 0.00012 and 0.00014; TOPMed 0.00016.

Submissions (6):

Labcorp Genetics (formerly Invitae), Labcorp
Classification: Likely benign for Adams-Oliver syndrome 5. Last evaluated: 2025-09-03. Review status: criteria provided, single submitter. Criteria: Invitae Variant Classification Sherloc (09022015). Collection method: clinical testing. Allele origin: germline.

Blueprint Genetics
Classification: Likely benign. Last evaluated: 2024-02-06. Review status: criteria provided, single submitter. Criteria: ACMG Guidelines, 2015. Collection method: clinical testing. Allele origin: germline.

Genome-Nilou Lab
Classification: Likely benign for Adams-Oliver syndrome 5. Last evaluated: 2022-03-15. Review status: criteria provided, single submitter. Criteria: ACMG Guidelines, 2015. Collection method: clinical testing. Allele origin: germline. Affected: no.

Genome-Nilou Lab
Classification: Likely benign for Aortic valve disease 1. Last evaluated: 2022-03-15. Review status: criteria provided, single submitter. Criteria: ACMG Guidelines, 2015. Collection method: clinical testing. Allele origin: germline. Affected: no.

Ambry Genetics
Classification: Likely benign for Familial thoracic aortic aneurysm and aortic dissection. Last evaluated: 2020-03-27. Review status: criteria provided, single submitter. Criteria: Ambry Variant Classification Scheme 2023. Collection method: clinical testing. Allele origin: germline.

GeneDx
Classification: Likely benign. Last evaluated: 2017-01-20. Review status: criteria provided, single submitter. Criteria: GeneDx Variant Classification (06012015). Collection method: clinical testing. Allele origin: germline. Affected: yes.
Comment: This variant is considered likely benign or benign based on one or more of the following criteria: it is a conservative change, it occurs at a poorly conserved position in the protein, it is predicted to be benign by multiple in silico algorithms, and/or has population frequency not consistent with disease.